The following is an entry in ClinVar:

ClinVar aggregate classification (germline): Uncertain significance (1 of 4 stars; one submission).

Conditions:
Hereditary cancer-predisposing syndrome. Also called: Neoplastic Syndromes, Hereditary; Tumor predisposition; Hereditary neoplastic syndrome; Hereditary Cancer Syndrome. Identifiers: Orphanet 140162, MedGen C0027672, MeSH D009386, MONDO:0015356.

Submission:

Ambry Genetics
Classification: Uncertain significance for Hereditary cancer-predisposing syndrome. Last evaluated: 2026-09-14. Review status: criteria provided, single submitter. Criteria: Ambry Variant Classification Scheme 2023. Collection method: clinical testing. Allele origin: germline.
Comment: The p.E220V variant (also known as c.659A>T), located in coding exon 4 of the MSH6 gene, results from an A to T substitution at nucleotide position 659. The glutamic acid at codon 220 is replaced by valine, an amino acid with dissimilar properties. This amino acid position is conserved. In addition, the in silico prediction for this alteration is inconclusive. Based on the available evidence, the clinical significance of this variant remains unclear.

NM_000179.3(MSH6):c.659A>T (p.Glu220Val)

Gene: MSH6 (mutS homolog 6; plus strand). Cytogenetic location: 2p16.3.
Variant type: single nucleotide variant.
Coding change: c.659A>T on transcript NM_000179.3 (MANE Select); coding-DNA position 659, A replaced by T.
Protein change: p.Glu220Val; replaces glutamic acid 220 with valine.
Molecular consequence: missense variant. On other transcripts: 5 prime UTR variant (9), non-coding transcript variant (4), intron variant (1).
Genome position (GRCh38, 1-based): chr2:47,798,642, A>T. VCF-style: chr2-47798642-A-T. GRCh37 (hg19) VCF-style: chr2-48025781-A-T.
Other names: c.269A>T, p.Glu90Val (NM_001281492.2); c.-248A>T (NM_001281493.2, NM_001281494.2, NM_001406811.1 and 6 more transcripts); c.755A>T, p.Glu252Val (NM_001406795.1, NM_001406802.1); c.659A>T, p.Glu220Val (NM_001406796.1, NM_001406798.1, NM_001406800.1 and 4 more transcripts); c.362A>T, p.Glu121Val (NM_001406797.1, NM_001406801.1, NM_001406805.1 and 10 more transcripts); c.134A>T, p.Glu45Val (NM_001406799.1, NM_001406806.1, NM_001406807.1); c.581A>T, p.Glu194Val (NM_001406804.1); c.665A>T, p.Glu222Val (NM_001406813.1); and 2 more; short protein forms E164V, E194V, E220V, E252V, E90V, E222V, E45V, E121V.
Identifiers: ClinVar variation 5024944 (VCV005024944.1).
Genomic context (GRCh38, chr2:47,798,642, plus strand): 5'-TTTTTAAATACTCTTTCCTTGCCTGGCAGGTAGGCACAACTTACGTAACAGATAAGAGTG[A>T]AGAAGATAATGAAATTGAGAGTGAAGAGGAAGTACAGCCTAAGACACAAGGATCTAGGCG-3'
Protein context (NP_000170.1, residues 210-230): VGTTYVTDKS[Glu220Val]EDNEIESEEE